The following is an entry in ClinVar:

NM_003097.6(SNRPN):c.3+6C>G

Genes: SNHG14 (small nucleolar RNA host gene 14; plus strand), SNRPN (small nuclear ribonucleoprotein polypeptide N; plus strand), SNURF (SNRPN upstream open reading frame; plus strand). Cytogenetic location: 15q11.2.
Variant type: single nucleotide variant.
Coding change: c.3+6C>G on transcript NM_003097.6 (MANE Select); 6 bases into the intron after coding-DNA position 3, C replaced by G.
Molecular consequence: intron variant.
Genome position (GRCh38, 1-based): chr15:24,974,462, C>G. VCF-style: chr15-24974462-C-G. GRCh37 (hg19) VCF-style: chr15-25219609-C-G.
Other names: c.3+6C>G (NM_022807.5, NM_022808.5, NM_001400637.1 and 100 more transcripts); c.-301-180C>G (NM_001378251.1, NM_001378253.1); c.-302+6C>G (NM_001378254.1, NM_001378252.1, NM_001378255.1); c.-21-896C>G (NM_001378256.1, NM_001400767.1, NM_001378257.1); c.*191+6C>G (NM_005678.5).
Identifiers: ClinVar variation 3233522 (VCV003233522.1), dbSNP rs573573776, ClinGen allele CA7431254.

ClinVar aggregate classification (germline): Uncertain significance (1 of 4 stars; one submission).

gnomAD v4.1: 22 of 1,613,478 alleles (0.0014%); highest among the groups gnomAD compares: Non-Finnish European, 0.0018%; no homozygotes.

Submission:

Women's Health and Genetics/Laboratory Corporation of America, LabCorp
Classification: Uncertain significance. Last evaluated: 2024-03-11. Review status: criteria provided, single submitter. Criteria: LabCorp Variant Classification Summary - May 2015. Collection method: clinical testing. Allele origin: germline.
Comment: Variant summary: SNRPN c.3+6C>G alters a non-conserved nucleotide located close to a canonical splice site and therefore could affect mRNA splicing, leading to a significantly altered protein sequence. Consensus agreement among computation tools predict no significant impact on normal splicing. However, these predictions have yet to be confirmed by functional studies. The variant allele was found at a frequency of 1.6e-05 in 247098 control chromosomes. The available data on variant occurrences in the general population are insufficient to allow any conclusion about variant significance. To our knowledge, no occurrence of c.3+6C>G in individuals affected with Angelman Syndrome and no experimental evidence demonstrating its impact on protein function have been reported. No submitters have cited clinical-significance assessments for this variant to ClinVar. Based on the evidence outlined above, the variant was classified as uncertain significance.